The following is an entry in ClinVar:

NM_000264.5(PTCH1):c.566A>G (p.His189Arg)

Gene: PTCH1 (patched 1; minus strand). Cytogenetic location: 9q22.32.
Variant type: single nucleotide variant.
Coding change: c.566A>G on transcript NM_000264.5 (MANE Select); coding-DNA position 566, A replaced by G.
Protein change: p.His189Arg; replaces histidine 189 with arginine.
Molecular consequence: missense variant. On other transcripts: non-coding transcript variant (1).
Genome position (GRCh38, 1-based): chr9:95,485,703, T>C on the plus strand (A>G on the coding strand, the complement: PTCH1 is on the minus strand). VCF-style: chr9-95485703-T-C. GRCh37 (hg19) VCF-style: chr9-98247985-T-C.
Other names: c.368A>G, p.His123Arg (NM_001083602.3, NM_001354919.2); c.563A>G, p.His188Arg (NM_001083603.3); c.113A>G, p.His38Arg (NM_001083604.3, NM_001083605.3, NM_001083606.3 and 1 more transcripts); c.566A>G, p.His189Arg (NM_001354918.2); short protein forms H38R, H188R, H123R, H189R.
Identifiers: ClinVar variation 1748943 (VCV001748943.9), dbSNP rs751113638, ClinGen allele CA5138922.

ClinVar aggregate classification (germline): Conflicting classifications of pathogenicity. Review status: criteria provided, conflicting classifications (1 of 4 stars). 3 submissions from 3 submitters: Uncertain significance (2); Likely benign (1). Last evaluated 2024-09-12.

Conditions:
Gorlin syndrome. Also called: Nevoid Basal Cell Carcinoma Syndrome; Basal cell nevus syndrome. Identifiers: Orphanet 377, MedGen C0004779, MONDO:0007187.
Hereditary cancer-predisposing syndrome. Also called: Neoplastic Syndromes, Hereditary; Tumor predisposition; Hereditary Cancer Syndrome; Hereditary neoplastic syndrome. Identifiers: Orphanet 140162, MedGen C0027672, MeSH D009386, MONDO:0015356.
Basal cell carcinoma, susceptibility to, 1. Also called: BCC1. Identifiers: MedGen C2751544, MONDO:0011556, OMIM 605462.

Allele frequency attached by ClinVar (database versions not stated): gnomAD 0.00001; ExAC 0.00002.

Submissions (3):

Labcorp Genetics (formerly Invitae), Labcorp
Classification: Likely benign for Gorlin syndrome. Last evaluated: 2024-09-12. Review status: criteria provided, single submitter. Criteria: Invitae Variant Classification Sherloc (09022015). Collection method: clinical testing. Allele origin: germline.

Ambry Genetics
Classification: Uncertain significance for Hereditary cancer-predisposing syndrome. Last evaluated: 2024-09-03. Review status: criteria provided, single submitter. Criteria: Ambry Variant Classification Scheme 2023. Collection method: clinical testing. Allele origin: germline.
Comment: The p.H189R variant (also known as c.566A>G), located in coding exon 3 of the PTCH1 gene, results from an A to G substitution at nucleotide position 566. The histidine at codon 189 is replaced by arginine, an amino acid with highly similar properties. This amino acid position is well conserved in available vertebrate species. In addition, the in silico prediction for this alteration is inconclusive. Based on the available evidence, the clinical significance of this variant remains unclear.

Baylor Genetics
Classification: Uncertain significance for Basal cell carcinoma, susceptibility to, 1. Last evaluated: 2023-10-08. Review status: criteria provided, single submitter. Criteria: ACMG Guidelines, 2015. Collection method: clinical testing. Allele origin: unknown.